The following is an entry in ClinVar:

ClinVar aggregate classification (germline): Uncertain significance. Review status: criteria provided, multiple submitters, no conflicts (2 of 4 stars). 3 submissions from 3 submitters: Uncertain significance (3). Last evaluated 2022-09-07.

Conditions:
Retinitis pigmentosa (RP). Identifiers: Orphanet 791, MedGen C0035334, MeSH D012174, MONDO:0019200, OMIM 268000. Inheritance: Autosomal dominant, autosomal recessive and X linked inheritance.

Allele frequency attached by ClinVar (database versions not stated): TOPMed below 0.00001; gnomAD exomes 0.00001.
gnomAD v4.1: 7 of 1,614,058 alleles (0.00043%); highest among the groups gnomAD compares: East Asian, 0.0045%; no homozygotes.

Submissions (3):

Blueprint Genetics
Classification: Uncertain significance. Last evaluated: 2022-09-07. Review status: criteria provided, single submitter. Criteria: ACMG Guidelines, 2015. Collection method: clinical testing. Allele origin: germline.

Labcorp Genetics (formerly Invitae), Labcorp
Classification: Uncertain significance. Last evaluated: 2022-03-04. Review status: criteria provided, single submitter. Criteria: Invitae Variant Classification Sherloc (09022015). Collection method: clinical testing. Allele origin: germline.
Comment: In summary, the available evidence is currently insufficient to determine the role of this variant in disease. Therefore, it has been classified as a Variant of Uncertain Significance. Algorithms developed to predict the effect of missense changes on protein structure and function output the following: SIFT: "Tolerated"; PolyPhen-2: "Benign"; Align-GVGD: "Class C0". The valine amino acid residue is found in multiple mammalian species, which suggests that this missense change does not adversely affect protein function. ClinVar contains an entry for this variant (Variation ID: 342338). This variant has not been reported in the literature in individuals affected with IMPG2-related conditions. This variant is present in population databases (no rsID available, gnomAD 0.006%). This sequence change replaces isoleucine, which is neutral and non-polar, with valine, which is neutral and non-polar, at codon 1119 of the IMPG2 protein (p.Ile1119Val).

Illumina Laboratory Services, Illumina
Classification: Uncertain significance for Retinitis pigmentosa. Last evaluated: 2018-01-12. Review status: criteria provided, single submitter. Criteria: ICSL Variant Classification Criteria 13 December 2019. Collection method: clinical testing. Allele origin: germline.

NM_016247.4(IMPG2):c.3355A>G (p.Ile1119Val)

Gene: IMPG2 (interphotoreceptor matrix proteoglycan 2; minus strand). Cytogenetic location: 3q12.3.
Variant type: single nucleotide variant.
Coding change: c.3355A>G on transcript NM_016247.4 (MANE Select); coding-DNA position 3355, A replaced by G.
Protein change: p.Ile1119Val; replaces isoleucine 1119 with valine.
Molecular consequence: missense variant.
Genome position (GRCh38, 1-based): chr3:101,231,024, T>C on the plus strand (A>G on the coding strand, the complement: IMPG2 is on the minus strand). VCF-style: chr3-101231024-T-C. GRCh37 (hg19) VCF-style: chr3-100949868-T-C.
Other names: short protein forms I1119V.
Identifiers: ClinVar variation 342338 (VCV000342338.8), dbSNP rs886057686, ClinGen allele CA10616647.